The following is an entry in ClinVar:

NM_001365536.1(SCN9A):c.586A>T (p.Ile196Phe)

Gene: SCN9A (sodium voltage-gated channel alpha subunit 9; minus strand). Cytogenetic location: 2q24.3.
Variant type: single nucleotide variant.
Coding change: c.586A>T on transcript NM_001365536.1 (MANE Select); coding-DNA position 586, A replaced by T.
Protein change: p.Ile196Phe; replaces isoleucine 196 with phenylalanine.
Molecular consequence: missense variant.
Genome position (GRCh38, 1-based): chr2:166,305,802, T>A on the plus strand (A>T on the coding strand, the complement: SCN9A is on the minus strand). VCF-style: chr2-166305802-T-A. GRCh37 (hg19) VCF-style: chr2-167162312-T-A.
Other names: c.586A>T, p.Ile196Phe (NM_002977.4); short protein forms I196F.
Identifiers: ClinVar variation 1502598 (VCV001502598.8), dbSNP rs1698734869, ClinGen allele CA349094893.

ClinVar aggregate classification (germline): Uncertain significance (1 of 4 stars; one submission).

Conditions:
Neuropathy, hereditary sensory and autonomic, type 2A (HSAN2A). Also called: WNK1-Related HSAN2 (HSAN2A); HSAN IIA; ACROOSTEOLYSIS, GIACCAI TYPE; ACROOSTEOLYSIS, NEUROGENIC; MORVAN DISEASE; NEUROPATHY, CONGENITAL SENSORY. Identifiers: Orphanet 970, MedGen C2752089, MONDO:0024309, OMIM 201300.
Generalized epilepsy with febrile seizures plus, type 7 (GEFSP7). Also called: GEFS+, TYPE 7. Identifiers: Orphanet 36387, MedGen C2751778, MONDO:0013470, OMIM 613863.

Submission:

Labcorp Genetics (formerly Invitae), Labcorp
Classification: Uncertain significance for Neuropathy, hereditary sensory and autonomic, type 2A; Generalized epilepsy with febrile seizures plus, type 7. Last evaluated: 2020-11-23. Review status: criteria provided, single submitter. Criteria: Invitae Variant Classification Sherloc (09022015). Collection method: clinical testing. Allele origin: germline.
Comment: In summary, the available evidence is currently insufficient to determine the role of this variant in disease. Therefore, it has been classified as a Variant of Uncertain Significance. Algorithms developed to predict the effect of missense changes on protein structure and function are either unavailable or do not agree on the potential impact of this missense change (SIFT: "Deleterious"; PolyPhen-2: "Probably Damaging"; Align-GVGD: "Class C0"). This variant has not been reported in the literature in individuals with SCN9A-related conditions. This variant is not present in population databases (ExAC no frequency). This sequence change replaces isoleucine with phenylalanine at codon 196 of the SCN9A protein (p.Ile196Phe). The isoleucine residue is highly conserved and there is a small physicochemical difference between isoleucine and phenylalanine.